The following is an entry in ClinVar:

NM_001010909.5(MUC21):c.1059C>G (p.Thr353=)

Genes: MUC21 (mucin 21, cell surface associated; plus strand), LOC126859647 (CDK7 strongly-dependent group 2 enhancer GRCh37_chr6:30954612-30955811; plus strand). Cytogenetic location: 6p21.33.
Variant type: single nucleotide variant.
Coding change: c.1059C>G on transcript NM_001010909.5 (MANE Select); coding-DNA position 1059, C replaced by G.
Protein change: p.Thr353=; no amino-acid change (threonine 353 retained).
Molecular consequence: synonymous variant. On other transcripts: non-coding transcript variant (1).
Genome position (GRCh38, 1-based): chr6:30,987,234, C>G. VCF-style: chr6-30987234-C-G. GRCh37 (hg19) VCF-style: chr6-30955011-C-G.
Identifiers: ClinVar variation 4533606 (VCV004533606.6).

ClinVar aggregate classification (germline): Likely benign (1 of 4 stars; one submission).

Submission:

CeGaT Center for Human Genetics Tuebingen
Classification: Likely benign. Last evaluated: 2025-11-01. Review status: criteria provided, single submitter. Criteria: CeGaT Center For Human Genetics Tuebingen Variant Classification Criteria Version 2. Collection method: clinical testing. Allele origin: germline. Affected: yes. Observed: 1 variant allele.
Comment: MUC21: BP4, BP7